The following is an entry in ClinVar:

NM_000065.5(C6):c.2775A>C (p.Glu925Asp)

Gene: C6 (complement C6; minus strand). Cytogenetic location: 5p13.1.
Variant type: single nucleotide variant.
Coding change: c.2775A>C on transcript NM_000065.5 (MANE Select); coding-DNA position 2775, A replaced by C.
Protein change: p.Glu925Asp; replaces glutamic acid 925 with aspartic acid.
Molecular consequence: missense variant.
Genome position (GRCh38, 1-based): chr5:41,142,855, T>G on the plus strand (A>C on the coding strand, the complement: C6 is on the minus strand). VCF-style: chr5-41142855-T-G. GRCh37 (hg19) VCF-style: chr5-41142957-T-G.
Other names: c.2775A>C, p.Glu925Asp (NM_001115131.4); short protein forms E925D.
Identifiers: ClinVar variation 2197966 (VCV002197966.1), dbSNP rs962464460, ClinGen allele CA117752028.

ClinVar aggregate classification (germline): Uncertain significance (1 of 4 stars; one submission).

Allele frequency attached by ClinVar (database versions not stated): gnomAD 0.00001; gnomAD exomes 0.00002; TOPMed 0.00004.
gnomAD v4.1: 12 of 1,613,486 alleles (0.00074%); highest among the groups gnomAD compares: Admixed American, 0.013%; no homozygotes.

Submission:

Labcorp Genetics (formerly Invitae), Labcorp
Classification: Uncertain significance. Last evaluated: 2022-06-23. Review status: criteria provided, single submitter. Criteria: Invitae Variant Classification Sherloc (09022015). Collection method: clinical testing. Allele origin: germline.
Comment: This sequence change replaces glutamic acid, which is acidic and polar, with aspartic acid, which is acidic and polar, at codon 925 of the C6 protein (p.Glu925Asp). This variant is present in population databases (no rsID available, gnomAD 0.009%). This variant has not been reported in the literature in individuals affected with C6-related conditions. Algorithms developed to predict the effect of missense changes on protein structure and function output the following: SIFT: "Tolerated"; PolyPhen-2: "Benign"; Align-GVGD: "Class C0". The aspartic acid amino acid residue is found in multiple mammalian species, which suggests that this missense change does not adversely affect protein function. In summary, the available evidence is currently insufficient to determine the role of this variant in disease. Therefore, it has been classified as a Variant of Uncertain Significance.